The following is an entry in ClinVar:

ClinVar aggregate classification (germline): Likely benign. Review status: criteria provided, multiple submitters, no conflicts (2 of 4 stars). 2 submissions from 2 submitters: Likely benign (2). Last evaluated 2025-09-15.

Conditions:
RP1-related disorder. Also called: RP1-related condition.

Allele frequency attached by ClinVar (database versions not stated): ExAC 0.00001; gnomAD exomes 0.00001; gnomAD 0.00005; TOPMed 0.00005; ESP Exome Variant Server 0.00008.
gnomAD v4.1: 15 of 1,614,036 alleles (0.00093%); highest among the groups gnomAD compares: African/African-American, 0.016%; no homozygotes.

Submissions (2):

PreventionGenetics, part of Exact Sciences
Classification: Likely benign for RP1-related condition. Last evaluated: 2025-09-15. Review status: criteria provided, single submitter. Criteria: ACMG Guidelines, 2015. Collection method: clinical testing. Allele origin: germline.
Comment: This variant is classified as likely benign based on ACMG/AMP sequence variant interpretation guidelines (Richards et al. 2015 PMID: 25741868, with internal and published modifications).

Labcorp Genetics (formerly Invitae), Labcorp
Classification: Likely benign. Last evaluated: 2023-07-27. Review status: criteria provided, single submitter. Criteria: Invitae Variant Classification Sherloc (09022015). Collection method: clinical testing. Allele origin: germline.

NM_006269.2(RP1):c.3672T>C (p.Ser1224=)

Gene: RP1 (RP1 axonemal microtubule associated; plus strand). Cytogenetic location: 8q12.1.
Variant type: single nucleotide variant.
Coding change: c.3672T>C on transcript NM_006269.2 (MANE Select); coding-DNA position 3672, T replaced by C.
Protein change: p.Ser1224=; no amino-acid change (serine 1224 retained).
Molecular consequence: synonymous variant. On other transcripts: intron variant (1).
Genome position (GRCh38, 1-based): chr8:54,627,554, T>C. VCF-style: chr8-54627554-T-C. GRCh37 (hg19) VCF-style: chr8-55540114-T-C.
Other names: c.3672T>C (NM_006269.1); c.787+5266T>C (NM_001375654.1).
Identifiers: ClinVar variation 2421890 (VCV002421890.8), dbSNP rs374797080, ClinGen allele CA4751728.
Genomic context (GRCh38, chr8:54,627,554, plus strand): 5'-TCCAATAGATCTTTCTGCAAATTGTTCCACGGTCAACATTCAGAGTGTTCCTAAGTGCAG[T>C]GAAAATGAAAGAACACAAGGAATCTCCTCTTTGGATGGAGGTTGCTCTGCCAGTGAGGCA-3'
Protein context (NP_006260.1, residues 1214-1234): TVNIQSVPKC[Ser1224=]ENERTQGISS